The following is an entry in ClinVar:

NM_018668.5(VPS33B):c.557T>C (p.Leu186Pro)

Gene: VPS33B (VPS33B late endosome and lysosome associated; minus strand). Cytogenetic location: 15q26.1.
Variant type: single nucleotide variant.
Coding change: c.557T>C on transcript NM_018668.5 (MANE Select); coding-DNA position 557, T replaced by C.
Protein change: p.Leu186Pro; replaces leucine 186 with proline.
Molecular consequence: missense variant.
Genome position (GRCh38, 1-based): chr15:91,007,515, A>G on the plus strand (T>C on the coding strand, the complement: VPS33B is on the minus strand). VCF-style: chr15-91007515-A-G. GRCh37 (hg19) VCF-style: chr15-91550745-A-G.
Other names: p.Leu186Pro; c.476T>C, p.Leu159Pro (NM_001289148.1); c.284T>C, p.Leu95Pro (NM_001289149.1); short protein forms L159P, L186P, L95P.
Identifiers: ClinVar variation 3380330 (VCV003380330.1).
Genomic context (GRCh38, chr15:91,007,515, plus strand): 5'-GCTAGTGCTCTTACCTTGGCGCACCTGCCAATTCCATAGCAGTTTGGAAAGGGTCCATAG[A>G]GAGTGCTGAGAAGGTGTAAGGCCTGAGCTACAGTGTTGATCCAACGCTGATCTCCTTCCT-3'
Protein context (NP_061138.3, residues 176-196): VAQALHLLST[Leu186Pro]YGPFPNCYGI

ClinVar aggregate classification (germline): Uncertain significance (1 of 4 stars; one submission).

Submission:

Mayo Clinic Laboratories, Mayo Clinic
Classification: Uncertain significance. Last evaluated: 2024-05-06. Review status: criteria provided, single submitter. Criteria: ACMG Guidelines, 2015. Collection method: clinical testing. Allele origin: germline. Observed: 1 variant allele.
Comment: PP3, PM2